The following is an entry in ClinVar:

ClinVar aggregate classification (germline): Pathogenic (0 of 4 stars; one submission).

Conditions:
Fanconi anemia complementation group A (FANCA). Also called: Fanconi anemia, group A; FANCA-Related Fanconi Anemia. Identifiers: Orphanet 84, MedGen C3469521, MONDO:0009215, OMIM 227650.

Submission:

Leiden Open Variation Database
Classification: Pathogenic for Fanconi anemia complementation group A. Last evaluated: 2020-02-28. Review status: no assertion criteria provided. Collection method: curation. Allele origin: germline. Affected: yes.
Comment: Curator: Arleen D. Auerbach. Submitter to LOVD: Johan de Winter.

Literature cited by the submitters: PubMed 22778927.

NM_000135.4(FANCA):c.88del (p.Val30fs)

Gene: FANCA (FA complementation group A; minus strand). Cytogenetic location: 16q24.3.
Variant type: Deletion.
Coding change: c.88del on transcript NM_000135.4 (MANE Select); coding-DNA position 88, one base deleted (G; older notation c.88delG).
Protein change: p.Val30fs; shifts the reading frame from valine 30.
Molecular consequence: frameshift variant.
Genome position (GRCh38, 1-based): chr16:89,815,978, C deleted on the plus strand (G on the coding strand, the reverse complement: FANCA is on the minus strand); the first of 3 consecutive C bases (chr16:89,815,978-89,815,980); deleting any one gives the same sequence. VCF-style (leftmost placement, unchanged base first): chr16-89815977-AC-A. GRCh37 (hg19) VCF-style: chr16-89882385-AC-A.
Other names: c.88del, p.Val30fs (NM_001018112.3, NM_001286167.3, NM_001351830.2); short protein forms V30fs.
Identifiers: ClinVar variation 974281 (VCV000974281.1), dbSNP rs2041101804, ClinGen allele CA1139664998.